The following is an entry in ClinVar:

ClinVar aggregate classification (germline): Uncertain significance (1 of 4 stars; one submission).

Conditions:
Citrin deficiency. Identifiers: Orphanet 247582, MedGen C1997910, MONDO:0016602.

Allele frequency attached by ClinVar (database versions not stated): gnomAD exomes 0.00001; ExAC 0.00002.
gnomAD v4.1: 9 of 1,614,118 alleles (0.00056%); highest among the groups gnomAD compares: East Asian, 0.0022%; no homozygotes.

Submission:

Labcorp Genetics (formerly Invitae), Labcorp
Classification: Uncertain significance for Citrin deficiency. Last evaluated: 2023-07-07. Review status: criteria provided, single submitter. Criteria: Invitae Variant Classification Sherloc (09022015). Collection method: clinical testing. Allele origin: germline.
Comment: This variant has not been reported in the literature in individuals affected with SLC25A13-related conditions. This variant is present in population databases (rs748764269, gnomAD 0.002%). This sequence change replaces tyrosine, which is neutral and polar, with cysteine, which is neutral and slightly polar, at codon 237 of the SLC25A13 protein (p.Tyr237Cys). ClinVar contains an entry for this variant (Variation ID: 1448250). In summary, the available evidence is currently insufficient to determine the role of this variant in disease. Therefore, it has been classified as a Variant of Uncertain Significance. Advanced modeling of protein sequence and biophysical properties (such as structural, functional, and spatial information, amino acid conservation, physicochemical variation, residue mobility, and thermodynamic stability) performed at Invitae indicates that this missense variant is expected to disrupt SLC25A13 protein function.

NM_014251.3(SLC25A13):c.710A>G (p.Tyr237Cys)

Gene: SLC25A13 (solute carrier family 25 member 13; minus strand). Cytogenetic location: 7q21.3.
Variant type: single nucleotide variant.
Coding change: c.710A>G on transcript NM_014251.3 (MANE Select); coding-DNA position 710, A replaced by G.
Protein change: p.Tyr237Cys; replaces tyrosine 237 with cysteine.
Molecular consequence: missense variant. On other transcripts: non-coding transcript variant (1).
Genome position (GRCh38, 1-based): chr7:96,191,153, T>C on the plus strand (A>G on the coding strand, the complement: SLC25A13 is on the minus strand). VCF-style: chr7-96191153-T-C. GRCh37 (hg19) VCF-style: chr7-95820465-T-C.
Other names: c.710A>G, p.Tyr237Cys (NM_001160210.2); short protein forms Y237C.
Identifiers: ClinVar variation 1448250 (VCV001448250.9), dbSNP rs748764269, ClinGen allele CA4353188.